The following is an entry in ClinVar:

NM_014236.4(GNPAT):c.1970C>G (p.Pro657Arg)

Gene: GNPAT (glyceronephosphate O-acyltransferase; plus strand). Cytogenetic location: 1q42.2.
Variant type: single nucleotide variant.
Coding change: c.1970C>G on transcript NM_014236.4 (MANE Select); coding-DNA position 1970, C replaced by G.
Protein change: p.Pro657Arg; replaces proline 657 with arginine.
Molecular consequence: missense variant.
Genome position (GRCh38, 1-based): chr1:231,276,167, C>G. VCF-style: chr1-231276167-C-G. GRCh37 (hg19) VCF-style: chr1-231411913-C-G.
Other names: c.1787C>G, p.Pro596Arg (NM_001316350.2); short protein forms P657R, P596R.
Identifiers: ClinVar variation 1475855 (VCV001475855.6), dbSNP rs2102829062, ClinGen allele CA345240552.
Genomic context (GRCh38, chr1:231,276,167, plus strand): 5'-AATAATAAAGCTTATTATTTTCTCCTAGAAATAATAACTGTATATTTAATGTGAATGAAC[C>G]TGCCACAACCAAATTAGAAGAAATGCTTGGTAAGTGCAGTTTAATAAAATACAAGTTTTC-3'
Protein context (NP_055051.1, residues 647-667): NNNCIFNVNE[Pro657Arg]ATTKLEEMLG

ClinVar aggregate classification (germline): Uncertain significance (1 of 4 stars; one submission).

gnomAD v4.1: 1 of 1,426,204 alleles (0.00007%); highest among the groups gnomAD compares: Non-Finnish European, 0.000099%; no homozygotes.

Submission:

Labcorp Genetics (formerly Invitae), Labcorp
Classification: Uncertain significance. Last evaluated: 2024-10-07. Review status: criteria provided, single submitter. Criteria: Invitae Variant Classification Sherloc (09022015). Collection method: clinical testing. Allele origin: germline.
Comment: This sequence change replaces proline, which is neutral and non-polar, with arginine, which is basic and polar, at codon 657 of the GNPAT protein (p.Pro657Arg). This variant is not present in population databases (gnomAD no frequency). This variant has not been reported in the literature in individuals affected with GNPAT-related conditions. ClinVar contains an entry for this variant (Variation ID: 1475855). An algorithm developed to predict the effect of missense changes on protein structure and function (PolyPhen-2) suggests that this variant is likely to be tolerated. In summary, the available evidence is currently insufficient to determine the role of this variant in disease. Therefore, it has been classified as a Variant of Uncertain Significance.